The following is an entry in ClinVar:

NM_017514.5(PLXNA3):c.71G>A (p.Arg24His)

Gene: PLXNA3 (plexin A3; plus strand). Cytogenetic location: Xq28.
Variant type: single nucleotide variant.
Coding change: c.71G>A on transcript NM_017514.5 (MANE Select); coding-DNA position 71, G replaced by A.
Protein change: p.Arg24His; replaces arginine 24 with histidine.
Molecular consequence: missense variant.
Genome position (GRCh38, 1-based): chrX:154,460,254, G>A. VCF-style: chrX-154460254-G-A. GRCh37 (hg19) VCF-style: chrX-153688594-G-A.
Other names: short protein forms R24H.
Identifiers: ClinVar variation 720976 (VCV000720976.6), dbSNP rs149878050, ClinGen allele CA10563589.

ClinVar aggregate classification (germline): Benign. Review status: criteria provided, single submitter (1 of 4 stars). 2 submissions from 2 submitters: Benign (1). 1 of the submissions does not count toward it. Last evaluated 2019-12-31.

Conditions:
PLXNA3-related disorder. Also called: PLXNA3-related condition.

Allele frequency attached by ClinVar (database versions not stated): gnomAD exomes 0.00024 and 0.00075; gnomAD 0.00250 and 0.00232; TOPMed 0.00370; ExAC 0.00088; 1000 Genomes Project 0.00371; ESP Exome Variant Server 0.00284; 1000 Genomes Project 30x 0.00416.

Submissions (2):

Labcorp Genetics (formerly Invitae), Labcorp
Classification: Benign. Last evaluated: 2019-12-31. Review status: criteria provided, single submitter. Criteria: Invitae Variant Classification Sherloc (09022015). Collection method: clinical testing. Allele origin: germline.

PreventionGenetics, part of Exact Sciences
Classification: Benign for PLXNA3-related condition. Last evaluated: 2019-03-26. Review status: no assertion criteria provided. Collection method: clinical testing. Allele origin: germline. Not counted in ClinVar's aggregate classification.
Comment: This variant is classified as benign based on ACMG/AMP sequence variant interpretation guidelines (Richards et al. 2015 PMID: 25741868, with internal and published modifications).